The following is an entry in ClinVar:

NM_003482.4(KMT2D):c.377C>T (p.Pro126Leu)

Gene: KMT2D (lysine methyltransferase 2D; minus strand). Cytogenetic location: 12q13.12.
Variant type: single nucleotide variant.
Coding change: c.377C>T on transcript NM_003482.4 (MANE Select); coding-DNA position 377, C replaced by T.
Protein change: p.Pro126Leu; replaces proline 126 with leucine.
Molecular consequence: missense variant.
Genome position (GRCh38, 1-based): chr12:49,054,551, G>A on the plus strand (C>T on the coding strand, the complement: KMT2D is on the minus strand). VCF-style: chr12-49054551-G-A. GRCh37 (hg19) VCF-style: chr12-49448334-G-A.
Other names: short protein forms P126L.
Identifiers: ClinVar variation 2571909 (VCV002571909.1), dbSNP rs2120710643, ClinGen allele CA384687945.

ClinVar aggregate classification (germline): Uncertain significance (1 of 4 stars; one submission).

Submission:

GeneDx
Classification: Uncertain significance. Last evaluated: 2023-01-06. Review status: criteria provided, single submitter. Criteria: GeneDx Variant Classification Process June 2021. Collection method: clinical testing. Allele origin: germline. Affected: yes.
Comment: Not observed at significant frequency in large population cohorts (gnomAD); In silico analysis supports that this missense variant does not alter protein structure/function; Has not been previously published as pathogenic or benign to our knowledge